The following is an entry in ClinVar:

ClinVar aggregate classification (germline): Likely benign (1 of 4 stars; one submission).

Allele frequency attached by ClinVar (database versions not stated): ESP Exome Variant Server 0.00129; gnomAD exomes 0.00130; ExAC 0.00196; gnomAD 0.00243; 1000 Genomes Project 30x 0.00281; 1000 Genomes Project 0.00319.
gnomAD v4.1: 2,343 of 1,611,966 alleles (0.15%); highest among the groups gnomAD compares: Middle Eastern, 0.88%; 6 homozygotes.

Submission:

CeGaT Center for Human Genetics Tuebingen
Classification: Likely benign. Last evaluated: 2024-01-01. Review status: criteria provided, single submitter. Criteria: CeGaT Center For Human Genetics Tuebingen Variant Classification Criteria Version 2. Collection method: clinical testing. Allele origin: germline. Affected: yes. Observed: 2 variant alleles.
Comment: WASHC2A: BP4, BP7, BS2

NM_001005751.3(WASHC2A):c.3948G>A (p.Gln1316=)

Gene: WASHC2A (WASH complex subunit 2A; plus strand). Cytogenetic location: 10q11.23.
Variant type: single nucleotide variant.
Coding change: c.3948G>A on transcript NM_001005751.3 (MANE Select); coding-DNA position 3948, G replaced by A.
Protein change: p.Gln1316=; no amino-acid change (glutamine 1316 retained).
Molecular consequence: synonymous variant.
Genome position (GRCh38, 1-based): chr10:50,132,867, G>A. VCF-style: chr10-50132867-G-A. GRCh37 (hg19) VCF-style: chr10-51892627-G-A.
Other names: c.3885G>A, p.Gln1295= (NM_001291398.2); c.3762G>A, p.Gln1254= (NM_001330102.2).
Identifiers: ClinVar variation 2640469 (VCV002640469.24), dbSNP rs200875715, ClinGen allele CA5501854.